The following is an entry in ClinVar:

NM_016247.4(IMPG2):c.884T>G (p.Phe295Cys)

Gene: IMPG2 (interphotoreceptor matrix proteoglycan 2; minus strand). Cytogenetic location: 3q12.3.
Variant type: single nucleotide variant.
Coding change: c.884T>G on transcript NM_016247.4 (MANE Select); coding-DNA position 884, T replaced by G.
Protein change: p.Phe295Cys; replaces phenylalanine 295 with cysteine.
Molecular consequence: missense variant.
Genome position (GRCh38, 1-based): chr3:101,269,518, A>C on the plus strand (T>G on the coding strand, the complement: IMPG2 is on the minus strand). VCF-style: chr3-101269518-A-C. GRCh37 (hg19) VCF-style: chr3-100988362-A-C.
Other names: short protein forms F295C.
Identifiers: ClinVar variation 1008695 (VCV001008695.9), dbSNP rs1706755345, ClinGen allele CA353867373.
Genomic context (GRCh38, chr3:101,269,518, plus strand): 5'-TCCATTCAGAATAAAGAATACTACTGAAAATGTGCATATTTAGATAAGTCTATTTACCTA[A>C]ATTCAAGTACACGAATTTCCTTGTAGCCTGGTAACCCAGTAAATGCATTTTCAACCTGTT-3'
Protein context (NP_057331.2, residues 285-305): PGYKEIRVLE[Phe295Cys]RSPKENDSGV

ClinVar aggregate classification (germline): Uncertain significance (1 of 4 stars; one submission).

Submission:

Labcorp Genetics (formerly Invitae), Labcorp
Classification: Uncertain significance. Last evaluated: 2023-10-13. Review status: criteria provided, single submitter. Criteria: Invitae Variant Classification Sherloc (09022015). Collection method: clinical testing. Allele origin: germline.
Comment: This sequence change replaces phenylalanine, which is neutral and non-polar, with cysteine, which is neutral and slightly polar, at codon 295 of the IMPG2 protein (p.Phe295Cys). This variant is not present in population databases (gnomAD no frequency). This missense change has been observed in individual(s) with clinical features of IMPG2-related conditions (Invitae). ClinVar contains an entry for this variant (Variation ID: 1008695). Advanced modeling of protein sequence and biophysical properties (such as structural, functional, and spatial information, amino acid conservation, physicochemical variation, residue mobility, and thermodynamic stability) performed at Invitae indicates that this missense variant is expected to disrupt IMPG2 protein function. Algorithms developed to predict the effect of sequence changes on RNA splicing suggest that this variant may disrupt the consensus splice site. In summary, the available evidence is currently insufficient to determine the role of this variant in disease. Therefore, it has been classified as a Variant of Uncertain Significance.